The following is an entry in ClinVar:

ClinVar aggregate classification (germline): Uncertain significance (1 of 4 stars; one submission).

Allele frequency attached by ClinVar (database versions not stated): gnomAD exomes below 0.00001 and 0.00001; gnomAD 0.00002; TOPMed 0.00002.
gnomAD v4.1: 6 of 1,614,096 alleles (0.00037%); highest among the groups gnomAD compares: Admixed American, 0.0033%; no homozygotes.

Submission:

Labcorp Genetics (formerly Invitae), Labcorp
Classification: Uncertain significance. Last evaluated: 2021-08-07. Review status: criteria provided, single submitter. Criteria: Invitae Variant Classification Sherloc (09022015). Collection method: clinical testing. Allele origin: germline.
Comment: This variant has not been reported in the literature in individuals with SZT2-related conditions. Algorithms developed to predict the effect of missense changes on protein structure and function are either unavailable or do not agree on the potential impact of this missense change (SIFT: "Deleterious"; PolyPhen-2: "Probably Damaging"; Align-GVGD: "Class C15"). In summary, the available evidence is currently insufficient to determine the role of this variant in disease. Therefore, it has been classified as a Variant of Uncertain Significance. This sequence change replaces arginine with tryptophan at codon 2928 of the SZT2 protein (p.Arg2928Trp). The arginine residue is highly conserved and there is a moderate physicochemical difference between arginine and tryptophan. This variant is not present in population databases (ExAC no frequency).

NM_001365999.1(SZT2):c.8953C>T (p.Arg2985Trp)

Gene: SZT2 (SZT2 subunit of KICSTOR complex; plus strand). Cytogenetic location: 1p34.2.
Variant type: single nucleotide variant.
Coding change: c.8953C>T on transcript NM_001365999.1 (MANE Select); coding-DNA position 8953, C replaced by T.
Protein change: p.Arg2985Trp; replaces arginine 2985 with tryptophan.
Molecular consequence: missense variant.
Genome position (GRCh38, 1-based): chr1:43,446,215, C>T. VCF-style: chr1-43446215-C-T. GRCh37 (hg19) VCF-style: chr1-43911886-C-T.
Other names: c.8782C>T, p.Arg2928Trp (NM_015284.4); short protein forms R2928W, R2985W.
Identifiers: ClinVar variation 1004919 (VCV001004919.8), dbSNP rs1386555026, ClinGen allele CA340041674.